The following is an entry in ClinVar:

ClinVar aggregate classification (germline): Pathogenic. Review status: criteria provided, multiple submitters, no conflicts (2 of 4 stars). 3 submissions from 3 submitters: Pathogenic (3). Last evaluated 2026-06-29.

Conditions:
Hereditary cancer-predisposing syndrome. Also called: Hereditary Cancer Syndrome; Tumor predisposition; Hereditary neoplastic syndrome; Neoplastic Syndromes, Hereditary. Identifiers: Orphanet 140162, MedGen C0027672, MeSH D009386, MONDO:0015356.
Von Hippel-Lindau syndrome (VHLS). Also called: von Hippel–Lindau syndrome; Von Hippel-Lindau; VHL syndrome. Identifiers: Orphanet 892, MedGen C0019562, MONDO:0008667, OMIM 193300. Disease mechanism: loss of function.
Chuvash polycythemia. Also called: POLYCYTHEMIA, VHL-DEPENDENT. Identifiers: Orphanet 238557, MedGen C1837915, MONDO:0009892, OMIM 263400.

Submissions (3):

Ambry Genetics
Classification: Pathogenic for Hereditary cancer-predisposing syndrome. Last evaluated: 2026-06-29. Review status: criteria provided, single submitter. Criteria: Ambry Variant Classification Scheme 2023. Collection method: clinical testing. Allele origin: germline.
Comment: The p.L158V pathogenic mutation (also known as c.472C>G) is located in coding exon 3 of the VHL gene. This alteration results from a C to G substitution at nucleotide position 472. The leucine at codon 158 is replaced by valine, an amino acid with highly similar properties. This variant was identified as a confirmed de novo mutation in a patient with multiple CNS and retinal hemangioblastomas, as well as renal cysts (Gergics, P et al. Eur J Endocrinol. 2009 Sep;161(3):495-502). The patient's two young children were also tested for the mutation; the child with retinal hemangiomas was a carrier, while the second, asymptomatic child, was not a carrier. This alteration is located in the elongin-binding site of the VHL protein, which is a region found to be highly mutated in patients with VHL-associated diseases (Zbar, B et al. Hum Mutat. 1996;8(4):348-57; Datta, K et al. Oncogene 2005 Sep;24, 7850&ndash;7858).This variant is considered to be rare based on population cohorts in the Genome Aggregation Database (gnomAD). Based on protein sequence alignment, this amino acid position is well conserved in available vertebrate species. In addition, this alteration is predicted to be deleterious by in silico analysis. Based on the available evidence, p.L158V is classified as a pathogenic mutation.

Labcorp Genetics (formerly Invitae), Labcorp
Classification: Pathogenic for Von Hippel-Lindau syndrome; Chuvash polycythemia. Last evaluated: 2023-03-07. Review status: criteria provided, single submitter. Criteria: Invitae Variant Classification Sherloc (09022015). Collection method: clinical testing. Allele origin: germline.
Comment: For these reasons, this variant has been classified as Pathogenic. Experimental studies have shown that this missense change affects VHL function (PMID: 28052007). Advanced modeling of protein sequence and biophysical properties (such as structural, functional, and spatial information, amino acid conservation, physicochemical variation, residue mobility, and thermodynamic stability) performed at Invitae indicates that this missense variant is expected to disrupt VHL protein function. ClinVar contains an entry for this variant (Variation ID: 567944). This variant is also known as 685C>G. This missense change has been observed in individual(s) with von Hippel-Lindau syndrome (PMID: 10761708, 14722919, 19574279). In at least one individual the variant was observed to be de novo. This variant is not present in population databases (gnomAD no frequency). This sequence change replaces leucine, which is neutral and non-polar, with valine, which is neutral and non-polar, at codon 158 of the VHL protein (p.Leu158Val).

GeneDx
Classification: Pathogenic. Last evaluated: 2018-03-07. Review status: criteria provided, single submitter. Criteria: GeneDx Variant Classification Process June 2021. Collection method: clinical testing. Allele origin: germline. Affected: yes.
Comment: This variant is associated with the following publications: (PMID: 10761708, 19574279, 28052007, 28853079, 28650583, 14722919, 20660572, 12405390, 24335534, 8956040, 18446368, 25801821, 20054297, 21715564, 11921283, 7987306, 18389622, 27069690, 23660872)

Literature cited by the submitters: PubMed 28052007 (cited by Labcorp Genetics (formerly Invitae), Labcorp); PubMed 10761708 (cited by Labcorp Genetics (formerly Invitae), Labcorp); PubMed 14722919 (cited by Labcorp Genetics (formerly Invitae), Labcorp); PubMed 19574279 (cited by Labcorp Genetics (formerly Invitae), Labcorp).

NM_000551.4(VHL):c.472C>G (p.Leu158Val)

Genes: VHL (von Hippel-Lindau tumor suppressor; plus strand), LOC107303340 (3p25 von Hippel-Lindau tumor suppressor, E3 ubiquitin protein ligase Alu-mediated recombination region; plus strand). Cytogenetic location: 3p25.3.
Variant type: single nucleotide variant.
Coding change: c.472C>G on transcript NM_000551.4 (MANE Select); coding-DNA position 472, C replaced by G.
Protein change: p.Leu158Val; replaces leucine 158 with valine.
Molecular consequence: missense variant. On other transcripts: 3 prime UTR variant (1).
Genome position (GRCh38, 1-based): chr3:10,149,795, C>G. VCF-style: chr3-10149795-C-G. GRCh37 (hg19) VCF-style: chr3-10191479-C-G.
Other names: c.*26C>G (NM_001354723.2); c.349C>G, p.Leu117Val (NM_198156.3); short protein forms L158V, L117V.
Identifiers: ClinVar variation 567944 (VCV000567944.15), dbSNP rs1559429613, ClinGen allele CA351756068.